The following is an entry in ClinVar:

NM_000440.3(PDE6A):c.852G>C (p.Lys284Asn)

Gene: PDE6A (phosphodiesterase 6A; minus strand). Cytogenetic location: 5q32.
Variant type: single nucleotide variant.
Coding change: c.852G>C on transcript NM_000440.3 (MANE Select); coding-DNA position 852, G replaced by C.
Protein change: p.Lys284Asn; replaces lysine 284 with asparagine.
Molecular consequence: missense variant.
Genome position (GRCh38, 1-based): chr5:149,931,034, C>G on the plus strand (G>C on the coding strand, the complement: PDE6A is on the minus strand). VCF-style: chr5-149931034-C-G. GRCh37 (hg19) VCF-style: chr5-149310597-C-G.
Other names: short protein forms K284N.
Identifiers: ClinVar variation 1425160 (VCV001425160.6), dbSNP rs1754019076, ClinGen allele CA361696387.

ClinVar aggregate classification (germline): Uncertain significance (1 of 4 stars; one submission).

Submission:

Labcorp Genetics (formerly Invitae), Labcorp
Classification: Uncertain significance. Last evaluated: 2022-04-01. Review status: criteria provided, single submitter. Criteria: Invitae Variant Classification Sherloc (09022015). Collection method: clinical testing. Allele origin: germline.
Comment: This sequence change replaces lysine, which is basic and polar, with asparagine, which is neutral and polar, at codon 284 of the PDE6A protein (p.Lys284Asn). This variant is not present in population databases (gnomAD no frequency). This variant has not been reported in the literature in individuals affected with PDE6A-related conditions. Algorithms developed to predict the effect of missense changes on protein structure and function (SIFT, PolyPhen-2, Align-GVGD) all suggest that this variant is likely to be disruptive. In summary, the available evidence is currently insufficient to determine the role of this variant in disease. Therefore, it has been classified as a Variant of Uncertain Significance.